The following is an entry in ClinVar:

NM_000059.4(BRCA2):c.897T>C (p.Val299=)

Gene: BRCA2 (BRCA2 DNA repair associated; plus strand). Cytogenetic location: 13q13.1.
Variant type: single nucleotide variant.
Coding change: c.897T>C on transcript NM_000059.4 (MANE Select); coding-DNA position 897, T replaced by C.
Protein change: p.Val299=; no amino-acid change (valine 299 retained).
Molecular consequence: synonymous variant.
Genome position (GRCh38, 1-based): chr13:32,332,375, T>C. VCF-style: chr13-32332375-T-C. GRCh37 (hg19) VCF-style: chr13-32906512-T-C.
Identifiers: ClinVar variation 187641 (VCV000187641.19), dbSNP rs786203887, ClinGen allele CA025912.

ClinVar aggregate classification (germline): Likely benign. Review status: reviewed by expert panel (3 of 4 stars). 5 submissions from 5 submitters: Likely benign (1). 4 of the submissions do not count toward it. Last evaluated 2017-06-29.

Conditions:
Hereditary breast ovarian cancer syndrome. Also called: Hereditary breast and ovarian cancer; Hereditary breast and ovarian cancer syndrome; Breast and ovarian cancer; Hereditary breast and ovarian cancer syndrome (HBOC); Hereditary breast and/or ovarian cancer syndrome; BRCA1- and BRCA2-Associated Hereditary Breast and Ovarian Cancer. Identifiers: Orphanet 145, MedGen C0677776, MeSH D061325, MONDO:0003582. Disease mechanism: loss of function.
Breast-ovarian cancer, familial, susceptibility to, 2 (BROVCA2). Also called: BRCA2 Hereditary Breast and Ovarian Cancer. Identifiers: Orphanet 145, MedGen C2675520, MONDO:0012933, OMIM 612555. Disease mechanism: loss of function.
Hereditary cancer-predisposing syndrome. Also called: Hereditary Cancer Syndrome; Neoplastic Syndromes, Hereditary; Tumor predisposition; Hereditary neoplastic syndrome. Identifiers: Orphanet 140162, MedGen C0027672, MeSH D009386, MONDO:0015356.

Allele frequency attached by ClinVar (database versions not stated): gnomAD exomes below 0.00001.
gnomAD v4.1: 1 of 1,594,766 alleles (0.000063%); highest among the groups gnomAD compares: Non-Finnish European, 0.000085%; no homozygotes.

Submissions (5):

Evidence-based Network for the Interpretation of Germline Mutant Alleles (ENIGMA)
Classification: Likely benign for Breast-ovarian cancer, familial, susceptibility to, 2. Last evaluated: 2017-06-29. Review status: reviewed by expert panel. Criteria: ENIGMA BRCA1/2 Classification Criteria (2017-06-29). Collection method: curation. Allele origin: germline.
Comment: Synonymous substitution variant, with low bioinformatic likelihood to result in a splicing aberration (Splicing prior probability 0.02).

Labcorp Genetics (formerly Invitae), Labcorp
Classification: Likely benign for Hereditary breast ovarian cancer syndrome. Last evaluated: 2023-08-04. Review status: criteria provided, single submitter. Criteria: Invitae Variant Classification Sherloc (09022015). Collection method: clinical testing. Allele origin: germline. Not counted in ClinVar's aggregate classification.

All of Us Research Program, National Institutes of Health
Classification: Likely benign for Breast-ovarian cancer, familial, susceptibility to, 2. Last evaluated: 2023-06-26. Review status: criteria provided, single submitter. Criteria: ACMG Guidelines, 2015. Collection method: clinical testing. Allele origin: germline. Inheritance: Autosomal dominant inheritance. Observed: 1 variant allele, 1 heterozygote. Not counted in ClinVar's aggregate classification.
Comment: This study involves interpretation of variants in research participants for the purpose of population health screening. Participant phenotype was not available at the time of variant classification. Additional details can be found in publication PMID: 35346344, PMCID: PMC8962531

Color Diagnostics, LLC DBA Color Health
Classification: Likely benign for Hereditary cancer-predisposing syndrome. Last evaluated: 2022-03-17. Review status: criteria provided, single submitter. Criteria: ACMG Guidelines, 2015. Collection method: clinical testing. Allele origin: germline. Not counted in ClinVar's aggregate classification.

Ambry Genetics
Classification: Likely benign for Hereditary cancer-predisposing syndrome. Last evaluated: 2014-12-26. Review status: criteria provided, single submitter. Criteria: Ambry Variant Classification Scheme 2023. Collection method: clinical testing. Allele origin: germline. Not counted in ClinVar's aggregate classification.